The following is an entry in ClinVar:

NM_004655.4(AXIN2):c.1200+19T>C

Gene: AXIN2 (axin 2; minus strand). Cytogenetic location: 17q24.1.
Variant type: single nucleotide variant.
Coding change: c.1200+19T>C on transcript NM_004655.4 (MANE Select); 19 bases into the intron after coding-DNA position 1200, T replaced by C.
Molecular consequence: intron variant.
Genome position (GRCh38, 1-based): chr17:65,538,184, A>G on the plus strand (T>C on the coding strand, the complement: AXIN2 is on the minus strand). VCF-style: chr17-65538184-A-G. GRCh37 (hg19) VCF-style: chr17-63534302-A-G.
Other names: c.1200+19T>C (LRG_296t1, NM_001363813.1).
Identifiers: ClinVar variation 516712 (VCV000516712.20), dbSNP rs116931989, ClinGen allele CA8718822.

ClinVar aggregate classification (germline): Benign/Likely benign. Review status: criteria provided, multiple submitters, no conflicts (2 of 4 stars). 7 submissions from 7 submitters: Benign (2); Likely benign (3). 2 of the submissions do not count toward it. Last evaluated 2025-12-08.

Conditions:
Oligodontia-cancer predisposition syndrome. Also called: TOOTH AGENESIS-COLORECTAL CANCER SYNDROME. Identifiers: Orphanet 300576, MedGen C1837750, MONDO:0012075, OMIM 608615. Disease mechanism: loss of function.

Allele frequency attached by ClinVar (database versions not stated): ESP Exome Variant Server 0.00023; gnomAD exomes 0.00121 and 0.00347; gnomAD 0.00165 and 0.00213; TOPMed 0.00250; ExAC 0.00326; 1000 Genomes Project 30x 0.00984; 1000 Genomes Project 0.01038.
gnomAD v4.1: 2,143 of 1,614,092 alleles (0.13%); highest among the groups gnomAD compares: East Asian, 3.6%; 32 homozygotes.

Submissions (7):

Labcorp Genetics (formerly Invitae), Labcorp
Classification: Benign for Oligodontia-cancer predisposition syndrome. Last evaluated: 2025-12-08. Review status: criteria provided, single submitter. Criteria: Invitae Variant Classification Sherloc (09022015). Collection method: clinical testing. Allele origin: germline.

ARUP Laboratories, Molecular Genetics and Genomics, ARUP Laboratories
Classification: Benign. Last evaluated: 2025-05-29. Review status: criteria provided, single submitter. Criteria: ARUP Molecular Germline Variant Investigation Process 2024. Collection method: clinical testing. Allele origin: germline.

Center for Genomic Medicine, Rigshospitalet, Copenhagen University Hospital
Classification: Likely benign. Last evaluated: 2025-03-04. Review status: criteria provided, single submitter. Criteria: ACMG Guidelines, 2015. Collection method: clinical testing. Allele origin: germline.

GeneDx
Classification: Likely benign. Last evaluated: 2017-09-13. Review status: criteria provided, single submitter. Criteria: GeneDx Variant Classification (06012015). Collection method: clinical testing. Allele origin: germline. Affected: yes.
Comment: This variant is considered likely benign or benign based on one or more of the following criteria: it is a conservative change, it occurs at a poorly conserved position in the protein, it is predicted to be benign by multiple in silico algorithms, and/or has population frequency not consistent with disease.

Breakthrough Genomics
Classification: Likely benign. Review status: criteria provided, single submitter. Criteria: ACMG Guidelines, 2015. Collection method: not provided. Allele origin: germline. Inheritance: Autosomal dominant inheritance. Affected: yes.

Clinical Genetics, Academic Medical Center
Classification: Likely benign. Review status: no assertion criteria provided. Collection method: clinical testing. Allele origin: germline. Affected: yes. Study: VKGL Data-share Consensus. Not counted in ClinVar's aggregate classification.

Laboratory of Diagnostic Genome Analysis, Leiden University Medical Center (LUMC)
Classification: Benign. Review status: no assertion criteria provided. Collection method: clinical testing. Allele origin: germline. Affected: yes. Study: VKGL Data-share Consensus. Not counted in ClinVar's aggregate classification.